The following is an entry in ClinVar:

ClinVar aggregate classification (germline): Likely pathogenic (1 of 4 stars; one submission).

Conditions:
Cardiovascular phenotype. Identifiers: MedGen CN230736.

Submission:

Ambry Genetics
Classification: Likely pathogenic for Cardiovascular phenotype. Last evaluated: 2026-03-02. Review status: criteria provided, single submitter. Criteria: Ambry Variant Classification Scheme 2023. Collection method: clinical testing. Allele origin: germline.
Comment: The p.M1? variant (also known as c.2T>A) is located in coding exon 1 of the PKP2 gene and results from a T to A substitution at nucleotide position 2. This alters the methionine residue at the initiation codon (ATG). This variant is considered to be rare based on population cohorts in the Genome Aggregation Database (gnomAD). This amino acid position is highly conserved in available vertebrate species. Sequence variations that modify the initiation codon are expected to result in either loss of translation initiation, N-terminal truncation, or cause a shift in the mRNA reading frame. Based on the majority of available evidence to date, this variant is likely to be pathogenic.

NM_001005242.3(PKP2):c.2T>A (p.Met1Lys)

Gene: PKP2 (plakophilin 2; minus strand). Cytogenetic location: 12p11.21.
Variant type: single nucleotide variant.
Coding change: c.2T>A on transcript NM_001005242.3 (MANE Select); coding-DNA position 2, T replaced by A.
Protein change: p.Met1Lys; changes the start codon (methionine 1).
Molecular consequence: missense variant, initiator codon variant. On other transcripts: 5 prime UTR variant (4).
Genome position (GRCh38, 1-based): chr12:32,896,730, A>T on the plus strand (T>A on the coding strand, the complement: PKP2 is on the minus strand). VCF-style: chr12-32896730-A-T. GRCh37 (hg19) VCF-style: chr12-33049664-A-T.
Other names: c.2T>A, p.Met1Lys (NM_001407155.1, NM_001407156.1, NM_001407157.1 and 2 more transcripts); c.-825T>A (NM_001407158.1, NM_001407162.1); c.-589T>A (NM_001407159.1, NM_001407160.1); short protein forms M1K.
Identifiers: ClinVar variation 4845114 (VCV004845114.1).